The following is an entry in ClinVar:

ClinVar aggregate classification (germline): Uncertain significance. Review status: criteria provided, multiple submitters, no conflicts (2 of 4 stars). 9 submissions from 8 submitters: Uncertain significance (8). 1 of the submissions does not count toward it. Last evaluated 2024-09-05.

Conditions:
Usher syndrome type 2A. Also called: RETINAL DISEASE IN USHER SYNDROME TYPE IIA, MODIFIER OF; USHER SYNDROME, TYPE IIA. Identifiers: Orphanet 231178, Orphanet 886, MedGen C1848634, MONDO:0010169, OMIM 276901.
Retinitis pigmentosa 39 (RP39). Identifiers: Orphanet 791, MedGen C3151138, MONDO:0013436, OMIM 613809.

Allele frequency attached by ClinVar (database versions not stated): gnomAD exomes 0.00004 and 0.00007; gnomAD 0.00006 and 0.00010; TOPMed 0.00007; ExAC 0.00009; 1000 Genomes Project 0.00120; 1000 Genomes Project 30x 0.00125.
gnomAD v4.1: 80 of 1,613,770 alleles (0.005%); highest among the groups gnomAD compares: East Asian, 0.029%; 1 homozygote.

Submissions (9):

Labcorp Genetics (formerly Invitae), Labcorp
Classification: Uncertain significance. Last evaluated: 2024-09-05. Review status: criteria provided, single submitter. Criteria: Invitae Variant Classification Sherloc (09022015). Collection method: clinical testing. Allele origin: germline.
Comment: This sequence change replaces proline, which is neutral and non-polar, with leucine, which is neutral and non-polar, at codon 2539 of the USH2A protein (p.Pro2539Leu). This variant is present in population databases (rs147333637, gnomAD 0.03%). This missense change has been observed in individual(s) with retinitis pigmentosa and/or Usher syndrome and/or Usher syndrome (PMID: 31031587, 32675063; internal data). In at least one individual the data is consistent with being in trans (on the opposite chromosome) from a pathogenic variant. ClinVar contains an entry for this variant (Variation ID: 290809). Invitae Evidence Modeling of protein sequence and biophysical properties (such as structural, functional, and spatial information, amino acid conservation, physicochemical variation, residue mobility, and thermodynamic stability) has been performed for this missense variant. However, the output from this modeling did not meet the statistical confidence thresholds required to predict the impact of this variant on USH2A protein function. In summary, the available evidence is currently insufficient to determine the role of this variant in disease. Therefore, it has been classified as a Variant of Uncertain Significance.

Genome-Nilou Lab
Classification: Uncertain significance for Retinitis pigmentosa 39. Last evaluated: 2023-11-04. Review status: criteria provided, single submitter. Criteria: ACMG Guidelines, 2015. Collection method: clinical testing. Allele origin: germline. Affected: no.

Genome-Nilou Lab
Classification: Uncertain significance for Usher syndrome type 2A. Last evaluated: 2023-11-04. Review status: criteria provided, single submitter. Criteria: ACMG Guidelines, 2015. Collection method: clinical testing. Allele origin: germline. Affected: no.

Blueprint Genetics
Classification: Uncertain significance. Last evaluated: 2022-09-02. Review status: criteria provided, single submitter. Criteria: ACMG Guidelines, 2015. Collection method: clinical testing. Allele origin: germline.

GeneDx
Classification: Uncertain significance. Last evaluated: 2020-12-15. Review status: criteria provided, single submitter. Criteria: GeneDx Variant Classification Process June 2021. Collection method: clinical testing. Allele origin: germline. Affected: yes.
Comment: In silico analysis, which includes protein predictors and evolutionary conservation, supports a deleterious effect; Has not been previously published as pathogenic or benign to our knowledge; This variant is associated with the following publications: (PMID: 31031587)

Revvity Omics, Revvity
Classification: Uncertain significance. Last evaluated: 2020-04-23. Review status: criteria provided, single submitter. Criteria: ACMG Guidelines, 2015. Collection method: clinical testing. Allele origin: germline.

Eurofins Ntd Llc (ga)
Classification: Uncertain significance. Last evaluated: 2016-08-26. Review status: criteria provided, single submitter. Criteria: EGL Classification Definitions 2015. Collection method: clinical testing. Allele origin: germline. Observed: 1 variant allele, 1 heterozygote.

Baylor-Hopkins Center for Mendelian Genomics, Johns Hopkins University School of Medicine
Classification: Uncertain significance for Usher syndrome type 2A. Review status: criteria provided, single submitter. Criteria: ACMG Guidelines, 2015. Collection method: research. Allele origin: germline. Affected: yes. Observed: 2 variant alleles, 1 compound heterozygote.
Comment: Compound Heterozygote

Natera, Inc.
Classification: Uncertain significance for Usher syndrome type 2A. Last evaluated: 2019-11-11. Review status: no assertion criteria provided. Collection method: clinical testing. Allele origin: germline. Not counted in ClinVar's aggregate classification.

Literature cited by the submitters: PubMed 31031587 (cited by Labcorp Genetics (formerly Invitae), Labcorp); PubMed 32675063 (cited by Labcorp Genetics (formerly Invitae), Labcorp).

NM_206933.4(USH2A):c.7616C>T (p.Pro2539Leu)

Gene: USH2A (usherin; minus strand). Cytogenetic location: 1q41.
Variant type: single nucleotide variant.
Coding change: c.7616C>T on transcript NM_206933.4 (MANE Select); coding-DNA position 7616, C replaced by T.
Protein change: p.Pro2539Leu; replaces proline 2539 with leucine.
Molecular consequence: missense variant.
Genome position (GRCh38, 1-based): chr1:215,889,033, G>A on the plus strand (C>T on the coding strand, the complement: USH2A is on the minus strand). VCF-style: chr1-215889033-G-A. GRCh37 (hg19) VCF-style: chr1-216062375-G-A.
Other names: short protein forms P2539L.
Identifiers: ClinVar variation 290809 (VCV000290809.19), dbSNP rs147333637, ClinGen allele CA1394774.